The following is an entry in ClinVar:

ClinVar aggregate classification (germline): Uncertain significance (1 of 4 stars; one submission).

Submission:

GeneDx
Classification: Uncertain significance. Last evaluated: 2025-07-07. Review status: criteria provided, single submitter. Criteria: GeneDx Variant Classification Process June 2021. Collection method: clinical testing. Allele origin: germline. Affected: yes.
Comment: Not observed at significant frequency in large population cohorts (gnomAD); In silico analysis supports that this missense variant has a deleterious effect on protein structure/function; Has not been previously published as pathogenic or benign to our knowledge

NM_001348768.2(HECW2):c.3857A>G (p.Asn1286Ser)

Gene: HECW2 (HECT, C2 and WW domain containing E3 ubiquitin protein ligase 2; minus strand). Cytogenetic location: 2q32.3.
Variant type: single nucleotide variant.
Coding change: c.3857A>G on transcript NM_001348768.2 (MANE Select); coding-DNA position 3857, A replaced by G.
Protein change: p.Asn1286Ser; replaces asparagine 1286 with serine.
Molecular consequence: missense variant.
Genome position (GRCh38, 1-based): chr2:196,228,162, T>C on the plus strand (A>G on the coding strand, the complement: HECW2 is on the minus strand). VCF-style: chr2-196228162-T-C. GRCh37 (hg19) VCF-style: chr2-197092886-T-C.
Other names: c.2789A>G, p.Asn930Ser (NM_001304840.3); c.3857A>G, p.Asn1286Ser (NM_020760.4); short protein forms N1286S, N930S.
Identifiers: ClinVar variation 4685397 (VCV004685397.1).